The following is an entry in ClinVar:

ClinVar aggregate classification (germline): Uncertain significance (1 of 4 stars; one submission).

Conditions:
PHF21A-related disorder. Also called: PHF21A-related condition.

Submission:

PreventionGenetics, part of Exact Sciences
Classification: Uncertain significance for PHF21A-related condition. Last evaluated: 2022-09-21. Review status: criteria provided, single submitter. Criteria: ACMG Guidelines, 2015. Collection method: clinical testing. Allele origin: germline.
Comment: The PHF21A c.592G>A variant is predicted to result in the amino acid substitution p.Ala198Thr. To our knowledge, this variant has not been reported in the literature or in a large population database, indicating this variant is rare. At this time, the clinical significance of this variant is uncertain due to the absence of conclusive functional and genetic evidence.

NM_001352027.3(PHF21A):c.592G>A (p.Ala198Thr)

Gene: PHF21A (PHD finger protein 21A; minus strand). Cytogenetic location: 11p11.2.
Variant type: single nucleotide variant.
Coding change: c.592G>A on transcript NM_001352027.3 (MANE Select); coding-DNA position 592, G replaced by A.
Protein change: p.Ala198Thr; replaces alanine 198 with threonine.
Molecular consequence: missense variant. On other transcripts: non-coding transcript variant (2).
Genome position (GRCh38, 1-based): chr11:45,971,136, C>T on the plus strand (G>A on the coding strand, the complement: PHF21A is on the minus strand). VCF-style: chr11-45971136-C-T. GRCh37 (hg19) VCF-style: chr11-45992687-C-T.
Other names: c.592G>A, p.Ala198Thr (NM_001101802.3, NM_001352025.3, NM_001352026.3 and 5 more transcripts); c.589G>A, p.Ala197Thr (NM_001352030.3); short protein forms A197T, A198T.
Identifiers: ClinVar variation 2628455 (VCV002628455.1), dbSNP rs2498001465, ClinGen allele CA380208977.